The following is an entry in ClinVar:

ClinVar aggregate classification (germline): Uncertain significance. Review status: criteria provided, multiple submitters, no conflicts (2 of 4 stars). 3 submissions from 3 submitters: Uncertain significance (3). Last evaluated 2024-12-25.

Conditions:
Inborn genetic diseases. Identifiers: MedGen C0950123, MeSH D030342.
Congenital defect of folate absorption. Also called: Hereditary Folate Malabsorption. Identifiers: Orphanet 90045, MedGen C0342705, MONDO:0009238, OMIM 229050.

Allele frequency attached by ClinVar (database versions not stated): gnomAD exomes below 0.00001; gnomAD 0.00001; ExAC 0.00005; ESP Exome Variant Server 0.00008.
gnomAD v4.1: 5 of 1,591,918 alleles (0.00031%); highest among the groups gnomAD compares: Non-Finnish European, 0.00043%; no homozygotes.

Submissions (3):

Ambry Genetics
Classification: Uncertain significance for Inborn genetic diseases. Last evaluated: 2024-12-25. Review status: criteria provided, single submitter. Criteria: Ambry Variant Classification Scheme 2023. Collection method: clinical testing. Allele origin: germline.

Labcorp Genetics (formerly Invitae), Labcorp
Classification: Uncertain significance. Last evaluated: 2022-06-30. Review status: criteria provided, single submitter. Criteria: Invitae Variant Classification Sherloc (09022015). Collection method: clinical testing. Allele origin: germline.
Comment: In summary, the available evidence is currently insufficient to determine the role of this variant in disease. Therefore, it has been classified as a Variant of Uncertain Significance. Experimental studies and prediction algorithms are not available or were not evaluated, and the functional significance of this variant is currently unknown. ClinVar contains an entry for this variant (Variation ID: 892225). This variant has not been reported in the literature in individuals affected with SLC46A1-related conditions. This variant is present in population databases (rs374179004, gnomAD 0.003%). This sequence change replaces glycine, which is neutral and non-polar, with serine, which is neutral and polar, at codon 93 of the SLC46A1 protein (p.Gly93Ser).

Illumina Laboratory Services, Illumina
Classification: Uncertain significance for Congenital defect of folate absorption. Last evaluated: 2017-04-28. Review status: criteria provided, single submitter. Criteria: ICSL Variant Classification Criteria 13 December 2019. Collection method: clinical testing. Allele origin: germline.

NM_080669.6(SLC46A1):c.277G>A (p.Gly93Ser)

Gene: SLC46A1 (solute carrier family 46 member 1; minus strand). Cytogenetic location: 17q11.2.
Variant type: single nucleotide variant.
Coding change: c.277G>A on transcript NM_080669.6 (MANE Select); coding-DNA position 277, G replaced by A.
Protein change: p.Gly93Ser; replaces glycine 93 with serine.
Molecular consequence: missense variant.
Genome position (GRCh38, 1-based): chr17:28,405,420, C>T on the plus strand (G>A on the coding strand, the complement: SLC46A1 is on the minus strand). VCF-style: chr17-28405420-C-T. GRCh37 (hg19) VCF-style: chr17-26732438-C-T.
Other names: c.277G>A, p.Gly93Ser (NM_001242366.3); short protein forms G93S.
Identifiers: ClinVar variation 892225 (VCV000892225.8), dbSNP rs374179004, ClinGen allele CA8458357.